The following is an entry in ClinVar:

ClinVar aggregate classification (germline): Uncertain significance (1 of 4 stars; one submission).

Conditions:
Compton-North congenital myopathy (CMYO12). Identifiers: Orphanet 210163, MedGen C2675527, MONDO:0012929, OMIM 612540.

Allele frequency attached by ClinVar (database versions not stated): gnomAD 0.00001.
gnomAD v4.1: 13 of 1,613,278 alleles (0.00081%); highest among the groups gnomAD compares: East Asian, 0.0022%; no homozygotes.

Submission:

Labcorp Genetics (formerly Invitae), Labcorp
Classification: Uncertain significance for Compton-North congenital myopathy. Last evaluated: 2025-04-14. Review status: criteria provided, single submitter. Criteria: Invitae Variant Classification Sherloc (09022015). Collection method: clinical testing. Allele origin: germline.
Comment: This sequence change replaces proline, which is neutral and non-polar, with leucine, which is neutral and non-polar, at codon 73 of the CNTN1 protein (p.Pro73Leu). This variant is not present in population databases (gnomAD no frequency). This variant has not been reported in the literature in individuals affected with CNTN1-related conditions. ClinVar contains an entry for this variant (Variation ID: 643635). Invitae Evidence Modeling of protein sequence and biophysical properties (such as structural, functional, and spatial information, amino acid conservation, physicochemical variation, residue mobility, and thermodynamic stability) indicates that this missense variant is not expected to disrupt CNTN1 protein function with a negative predictive value of 95%. In summary, the available evidence is currently insufficient to determine the role of this variant in disease. Therefore, it has been classified as a Variant of Uncertain Significance.

NM_001843.4(CNTN1):c.218C>T (p.Pro73Leu)

Gene: CNTN1 (contactin 1; plus strand). Cytogenetic location: 12q12.
Variant type: single nucleotide variant.
Coding change: c.218C>T on transcript NM_001843.4 (MANE Select); coding-DNA position 218, C replaced by T.
Protein change: p.Pro73Leu; replaces proline 73 with leucine.
Molecular consequence: missense variant.
Genome position (GRCh38, 1-based): chr12:40,918,762, C>T. VCF-style: chr12-40918762-C-T. GRCh37 (hg19) VCF-style: chr12-41312564-C-T.
Other names: c.218C>T, p.Pro73Leu (NM_001256063.2, NM_001256064.2); c.185C>T, p.Pro62Leu (NM_175038.2); short protein forms P62L, P73L.
Identifiers: ClinVar variation 643635 (VCV000643635.9), dbSNP rs1033656256, ClinGen allele CA235386960.